The following is an entry in ClinVar:

NM_000384.3(APOB):c.11495C>T (p.Ser3832Leu)

Gene: APOB (apolipoprotein B; minus strand). Cytogenetic location: 2p24.1.
Variant type: single nucleotide variant.
Coding change: c.11495C>T on transcript NM_000384.3 (MANE Select); coding-DNA position 11495, C replaced by T.
Protein change: p.Ser3832Leu; replaces serine 3832 with leucine.
Molecular consequence: missense variant.
Genome position (GRCh38, 1-based): chr2:21,005,373, G>A on the plus strand (C>T on the coding strand, the complement: APOB is on the minus strand). VCF-style: chr2-21005373-G-A. GRCh37 (hg19) VCF-style: chr2-21228245-G-A.
Other names: short protein forms S3832L.
Identifiers: ClinVar variation 3307519 (VCV003307519.1).
Genomic context (GRCh38, chr2:21,005,373, plus strand): 5'-AACTCAAAGTCTGCGATCTTGTTGGCTACTGCATTTAGATCCAAAGCAGCAATGCCATCT[G>A]AAACACTTTTTGGAAGCGTGAACTGGGACACAGTTAACTGAGATTCAGGCACGGTTATCT-3'
Protein context (NP_000375.3, residues 3822-3842): VSQFTLPKSV[Ser3832Leu]DGIAALDLNA

ClinVar aggregate classification (germline): Uncertain significance (1 of 4 stars; one submission).

Conditions:
Cardiovascular phenotype. Identifiers: MedGen CN230736.

gnomAD v4.1: 1 of 1,614,090 alleles (0.000062%); highest among the groups gnomAD compares: East Asian, 0.0022%; no homozygotes.

Submission:

Ambry Genetics
Classification: Uncertain significance for Cardiovascular phenotype. Last evaluated: 2024-03-30. Review status: criteria provided, single submitter. Criteria: Ambry Variant Classification Scheme 2023. Collection method: clinical testing. Allele origin: germline.
Comment: The p.S3832L variant (also known as c.11495C>T), located in coding exon 26 of the APOB gene, results from a C to T substitution at nucleotide position 11495. The serine at codon 3832 is replaced by leucine, an amino acid with dissimilar properties. This amino acid position is conserved. In addition, this alteration is predicted to be tolerated by in silico analysis. Based on the available evidence, the clinical significance of this alteration remains unclear.